The following is an entry in ClinVar:

ClinVar aggregate classification (germline): Uncertain significance (1 of 4 stars; one submission).

Conditions:
Cardiovascular phenotype. Identifiers: MedGen CN230736.

gnomAD v4.1: 1 of 1,614,198 alleles (0.000062%); highest among the groups gnomAD compares: Non-Finnish European, 0.000085%; no homozygotes.

Submission:

Ambry Genetics
Classification: Uncertain significance for Cardiovascular phenotype. Last evaluated: 2025-04-20. Review status: criteria provided, single submitter. Criteria: Ambry Variant Classification Scheme 2023. Collection method: clinical testing. Allele origin: germline.
Comment: The p.Q330R variant (also known as c.989A>G), located in coding exon 9 of the APOB gene, results from an A to G substitution at nucleotide position 989. The glutamine at codon 330 is replaced by arginine, an amino acid with highly similar properties. This amino acid position is conserved. In addition, this alteration is predicted to be tolerated by in silico analysis. Based on the available evidence, the clinical significance of this variant remains unclear.

NM_000384.3(APOB):c.989A>G (p.Gln330Arg)

Gene: APOB (apolipoprotein B; minus strand). Cytogenetic location: 2p24.1.
Variant type: single nucleotide variant.
Coding change: c.989A>G on transcript NM_000384.3 (MANE Select); coding-DNA position 989, A replaced by G.
Protein change: p.Gln330Arg; replaces glutamine 330 with arginine.
Molecular consequence: missense variant.
Genome position (GRCh38, 1-based): chr2:21,033,434, T>C on the plus strand (A>G on the coding strand, the complement: APOB is on the minus strand). VCF-style: chr2-21033434-T-C. GRCh37 (hg19) VCF-style: chr2-21256306-T-C.
Other names: short protein forms Q330R.
Identifiers: ClinVar variation 3932869 (VCV003932869.1).